The following is an entry in ClinVar:

NM_017617.5(NOTCH1):c.2759dup (p.Ser921fs)

Gene: NOTCH1 (notch receptor 1; minus strand). Cytogenetic location: 9q34.3.
Variant type: Duplication.
Coding change: c.2759dup on transcript NM_017617.5 (MANE Select); coding-DNA position 2759, one base duplicated (G; older notation c.2759dupG).
Protein change: p.Ser921fs; shifts the reading frame from serine 921.
Molecular consequence: frameshift variant.
Genome position (GRCh38, 1-based): chr9:136,509,943, C duplicated on the plus strand (G on the coding strand, the reverse complement: NOTCH1 is on the minus strand); the first of 5 consecutive C bases (chr9:136,509,943-136,509,947); duplicating any one gives the same sequence. VCF-style (leftmost placement, unchanged base first): chr9-136509942-G-GC. GRCh37 (hg19) VCF-style: chr9-139404394-G-GC.
Other names: short protein forms S921fs.
Identifiers: ClinVar variation 1961662 (VCV001961662.5), dbSNP rs2540446470, ClinGen allele CA2580080942.

ClinVar aggregate classification (germline): Pathogenic (1 of 4 stars; one submission).

Conditions:
Adams-Oliver syndrome 5 (AOS5). Identifiers: Orphanet 974, MedGen C4014970, MONDO:0014459, OMIM 616028.

Submission:

Labcorp Genetics (formerly Invitae), Labcorp
Classification: Pathogenic for Adams-Oliver syndrome 5. Last evaluated: 2026-01-15. Review status: criteria provided, single submitter. Criteria: Invitae Variant Classification Sherloc (09022015). Collection method: clinical testing. Allele origin: germline.
Comment: This sequence change creates a premature translational stop signal (p.Ser921Leufs*23) in the NOTCH1 gene. It is expected to result in an absent or disrupted protein product. Loss-of-function variants in NOTCH1 are known to be pathogenic (PMID: 16025100, 21457232, 25132448, 25963545, 32720365, 33630301). This variant is not present in population databases (gnomAD no frequency). This variant has not been reported in the literature in individuals affected with NOTCH1-related conditions. ClinVar contains an entry for this variant (Variation ID: 1961662). For these reasons, this variant has been classified as Pathogenic.

Literature cited by the submitters: PubMed 16025100; PubMed 21457232; PubMed 25132448; PubMed 25963545; PubMed 32720365; PubMed 33630301.